The following is an entry in ClinVar:

ClinVar aggregate classification (germline): Uncertain significance (1 of 4 stars; one submission).

Allele frequency attached by ClinVar (database versions not stated): gnomAD exomes below 0.00001.
gnomAD v4.1: 4 of 1,614,206 alleles (0.00025%); highest among the groups gnomAD compares: Non-Finnish European, 0.00034%; no homozygotes.

Submission:

GeneDx
Classification: Uncertain significance. Last evaluated: 2022-02-23. Review status: criteria provided, single submitter. Criteria: GeneDx Variant Classification Process June 2021. Collection method: clinical testing. Allele origin: germline. Affected: yes.
Comment: Not observed at significant frequency in large population cohorts (gnomAD); In silico analysis supports that this missense variant has a deleterious effect on protein structure/function; Has not been previously published as pathogenic or benign to our knowledge

NM_006267.5(RANBP2):c.9041A>C (p.Glu3014Ala)

Gene: RANBP2 (RAN binding protein 2; plus strand). Cytogenetic location: 2q13.
Variant type: single nucleotide variant.
Coding change: c.9041A>C on transcript NM_006267.5 (MANE Select); coding-DNA position 9041, A replaced by C.
Protein change: p.Glu3014Ala; replaces glutamic acid 3014 with alanine.
Molecular consequence: missense variant.
Genome position (GRCh38, 1-based): chr2:108,782,534, A>C. VCF-style: chr2-108782534-A-C. GRCh37 (hg19) VCF-style: chr2-109398990-A-C.
Other names: short protein forms E3014A.
Identifiers: ClinVar variation 1703289 (VCV001703289.2), dbSNP rs2467760832, ClinGen allele CA348085044.